The following is an entry in ClinVar:

NM_001374736.1(DST):c.13711A>G (p.Ile4571Val)

Gene: DST (dystonin; minus strand). Cytogenetic location: 6p12.1.
Variant type: single nucleotide variant.
Coding change: c.13711A>G on transcript NM_001374736.1 (MANE Select); coding-DNA position 13711, A replaced by G.
Protein change: p.Ile4571Val; replaces isoleucine 4571 with valine.
Molecular consequence: missense variant.
Genome position (GRCh38, 1-based): chr6:56,572,110, T>C on the plus strand (A>G on the coding strand, the complement: DST is on the minus strand). VCF-style: chr6-56572110-T-C. GRCh37 (hg19) VCF-style: chr6-56436908-T-C.
Other names: c.7354A>G, p.Ile2452Val (NM_001144769.5); c.6940A>G, p.Ile2314Val (NM_001144770.2); c.13711A>G, p.Ile4571Val (NM_001374722.1); c.13078A>G, p.Ile4360Val (NM_001374729.1); c.6820A>G, p.Ile2274Val (NM_001374730.1, NM_001386100.1, NM_183380.4); c.13738A>G, p.Ile4580Val (NM_001374734.1); c.5842A>G, p.Ile1948Val (NM_015548.5); short protein forms I1948V, I4580V, I2452V, I4571V, I2314V, I2274V, I4360V.
Identifiers: ClinVar variation 1425785 (VCV001425785.6), dbSNP rs2097789048, ClinGen allele CA364526097.

ClinVar aggregate classification (germline): Uncertain significance (1 of 4 stars; one submission).

Conditions:
Hereditary sensory and autonomic neuropathy type 6. Also called: Neuropathy, hereditary sensory and autonomic, type VI; HSAN VI. Identifiers: Orphanet 314381, MedGen C3539003, MONDO:0013839, OMIM 614653.
Epidermolysis bullosa simplex 3, localized or generalized intermediate, with BP230 deficiency (EBS3). Also called: Epidermolysis bullosa simplex due to BP230 deficiency; Epidermolysis bullosa simplex, autosomal recessive 2. Identifiers: Orphanet 412181, MedGen C3809470, MONDO:0014180, OMIM 615425.

Allele frequency attached by ClinVar (database versions not stated): TOPMed below 0.00001.

Submission:

Labcorp Genetics (formerly Invitae), Labcorp
Classification: Uncertain significance for Epidermolysis bullosa simplex 3, localized or generalized intermediate, with BP230 deficiency; Hereditary sensory and autonomic neuropathy type 6. Last evaluated: 2021-02-22. Review status: criteria provided, single submitter. Criteria: Invitae Variant Classification Sherloc (09022015). Collection method: clinical testing. Allele origin: germline.
Comment: This sequence change replaces isoleucine with valine at codon 1948 of the DST protein (p.Ile1948Val). The DST gene has multiple clinically relevant transcripts. This variant occurs in alternate transcript NM_015548.4, and corresponds to NM_001723.5:c.*43407A>G in the primary transcript. This variant is not present in population databases (ExAC no frequency). This variant has not been reported in the literature in individuals with DST-related conditions. Experimental studies and prediction algorithms are not available or were not evaluated, and the functional significance of this variant is currently unknown. In summary, the available evidence is currently insufficient to determine the role of this variant in disease. Therefore, it has been classified as a Variant of Uncertain Significance.